The following is an entry in ClinVar:

ClinVar aggregate classification (germline): Uncertain significance (1 of 4 stars; one submission).

Conditions:
Emery-Dreifuss muscular dystrophy 5, autosomal dominant (EDMD5). Also called: EMERY-DREIFUSS MUSCULAR DYSTROPHY 5. Identifiers: Orphanet 261, MedGen C2751805, MONDO:0013072, OMIM 612999.

Submission:

Labcorp Genetics (formerly Invitae), Labcorp
Classification: Uncertain significance for Emery-Dreifuss muscular dystrophy 5, autosomal dominant. Last evaluated: 2025-02-10. Review status: criteria provided, single submitter. Criteria: Invitae Variant Classification Sherloc (09022015). Collection method: clinical testing. Allele origin: germline.
Comment: This sequence change replaces threonine, which is neutral and polar, with proline, which is neutral and non-polar, at codon 1735 of the SYNE2 protein (p.Thr1735Pro). This variant is not present in population databases (gnomAD no frequency). This variant has not been reported in the literature in individuals affected with SYNE2-related conditions. An algorithm developed to predict the effect of missense changes on protein structure and function (PolyPhen-2) suggests that this variant is likely to be disruptive. In summary, the available evidence is currently insufficient to determine the role of this variant in disease. Therefore, it has been classified as a Variant of Uncertain Significance.

NM_182914.3(SYNE2):c.5203A>C (p.Thr1735Pro)

Gene: SYNE2 (spectrin repeat containing nuclear envelope protein 2; plus strand). Cytogenetic location: 14q23.2.
Variant type: single nucleotide variant.
Coding change: c.5203A>C on transcript NM_182914.3 (MANE Select); coding-DNA position 5203, A replaced by C.
Protein change: p.Thr1735Pro; replaces threonine 1735 with proline.
Molecular consequence: missense variant.
Genome position (GRCh38, 1-based): chr14:64,021,366, A>C. VCF-style: chr14-64021366-A-C. GRCh37 (hg19) VCF-style: chr14-64488084-A-C.
Other names: c.5203A>C, p.Thr1735Pro (NM_015180.6); short protein forms T1735P.
Identifiers: ClinVar variation 4712104 (VCV004712104.1).